The following is an entry in ClinVar:

NM_017721.5(CC2D1A):c.1449_1489del41 (p.Lys484fs)

Gene: CC2D1A (coiled-coil and C2 domain containing 1A; plus strand). Cytogenetic location: 19p13.12.
Variant type: Deletion.
Coding change: c.1449_1489del41 on transcript NM_017721.5 (MANE Select); coding-DNA positions 1449 to 1489, 41 bases deleted.
Protein change: p.Lys484fs; shifts the reading frame from lysine 484.
Molecular consequence: frameshift variant, splice acceptor variant, splice donor variant.
Genome position: GRCh38: chr19:13,920,649-13,920,770. GRCh37 (hg19): chr19:14,031,462-14,031,583.
Other names: c.1449_1489del41, p.Lys484fs (NM_001411138.1); short protein forms K484fs.
Identifiers: ClinVar variation 2835658 (VCV002835658.3), ClinGen allele CA2739276577.

ClinVar aggregate classification (germline): Pathogenic (1 of 4 stars; one submission).

Submission:

Labcorp Genetics (formerly Invitae), Labcorp
Classification: Pathogenic. Last evaluated: 2023-02-08. Review status: criteria provided, single submitter. Criteria: Invitae Variant Classification Sherloc (09022015). Collection method: clinical testing. Allele origin: germline.
Comment: This variant has not been reported in the literature in individuals affected with CC2D1A-related conditions. This variant is not present in population databases (gnomAD no frequency). This variant results in the deletion of part of exons 13 and 14 (c.1449_1489del) of the CC2D1A gene. This deletion is out-of-frame, and is expected to create a premature termination codon and result in an absent or disrupted protein product. Loss-of-function variants in CC2D1A are known to be pathogenic (PMID: 16033914). For these reasons, this variant has been classified as Pathogenic.

Literature cited by the submitters: PubMed 16033914.